The following is an entry in ClinVar:

ClinVar aggregate classification (germline): Uncertain significance (1 of 4 stars; one submission).

Submission:

Ambry Genetics
Classification: Uncertain significance. Last evaluated: 2025-10-14. Review status: criteria provided, single submitter. Criteria: Ambry Variant Classification Scheme 2023. Collection method: clinical testing. Allele origin: germline.
Comment: The c.1285_1293delTTACACTGC variant (also known as p.L429_C431del) is located in coding exon 8 of the ATRIP gene. This variant results from an in-frame TTACACTGC deletion at nucleotide positions 1285 to 1293. This results in the in-frame deletion of 3 amino acids at codon 429. This amino acid region is not well conserved in available vertebrate species. The evidence for this gene-disease relationship is limited; therefore, the clinical significance of this alteration is unclear.

NM_130384.3(ATRIP):c.1285_1293del (p.Leu429_Cys431del)

Genes: ATRIP (ATR interacting protein; plus strand), ATRIP-TREX1 (ATRIP-TREX1 readthrough; plus strand). Cytogenetic location: 3p21.31.
Variant type: Deletion.
Coding change: c.1285_1293del on transcript NM_130384.3 (MANE Select); coding-DNA positions 1285 to 1293, 9 bases deleted (TTACACTGC; older notation c.1285_1293delTTACACTGC).
Protein change: p.Leu429_Cys431del.
Molecular consequence: inframe deletion. On other transcripts: non-coding transcript variant (1).
Genome position (GRCh38, 1-based): chr3:48,460,339-48,460,347, TTACACTGC deleted; deleting any 9 consecutive bases within chr3:48,460,337-48,460,347 gives the same sequence; the c. name uses the placement nearest the transcript's 3' end. VCF-style (leftmost placement, unchanged base first): chr3-48460336-GGCTTACACT-G. GRCh37 (hg19) VCF-style: chr3-48501735-GGCTTACACT-G.
Other names: c.904_912del, p.Leu302_Cys304del (NM_001271022.2); c.1006_1014del, p.Leu336_Cys338del (NM_001271023.2); c.1285_1293del, p.Leu429_Cys431del (NM_032166.4).
Identifiers: ClinVar variation 4644502 (VCV004644502.1).